The following is an entry in ClinVar:

NM_002739.5(PRKCG):c.518T>G (p.Ile173Ser)

Gene: PRKCG (protein kinase C gamma; plus strand). Cytogenetic location: 19q13.42.
Variant type: single nucleotide variant.
Coding change: c.518T>G on transcript NM_002739.5 (MANE Select); coding-DNA position 518, T replaced by G.
Protein change: p.Ile173Ser; replaces isoleucine 173 with serine.
Molecular consequence: missense variant.
Genome position (GRCh38, 1-based): chr19:53,890,006, T>G. VCF-style: chr19-53890006-T-G. GRCh37 (hg19) VCF-style: chr19-54393260-T-G.
Other names: c.518T>G, p.Ile173Ser (NM_001316329.2); short protein forms I173S.
Identifiers: ClinVar variation 1705060 (VCV001705060.2), dbSNP rs2514554300, ClinGen allele CA407414593.

ClinVar aggregate classification (germline): Conflicting classifications of pathogenicity. Review status: criteria provided, conflicting classifications (1 of 4 stars). 2 submissions from 2 submitters: Likely pathogenic (1); Uncertain significance (1). Last evaluated 2024-08-26.

Conditions:
PRKCG-related disorder. Also called: PRKCG-related condition.

Submissions (2):

Blueprint Genetics
Classification: Likely pathogenic for PRKCG-related disorders. Last evaluated: 2024-08-26. Review status: criteria provided, single submitter. Criteria: ACMG Guidelines, 2015. Collection method: clinical testing. Allele origin: germline. Affected: yes. Observed: 3 variant alleles.

Women's Health and Genetics/Laboratory Corporation of America, LabCorp
Classification: Uncertain significance. Last evaluated: 2022-08-09. Review status: criteria provided, single submitter. Criteria: LabCorp Variant Classification Summary - May 2015. Collection method: clinical testing. Allele origin: germline.
Comment: Variant summary: PRKCG c.518T>G (p.Ile173Ser) results in a non-conservative amino acid change located in the C2 domain (IPR000008) of the encoded protein sequence. Four of five in-silico tools predict a damaging effect of the variant on protein function. The variant was absent in 166632 control chromosomes (gnomAD). The available data on variant occurrences in the general population are insufficient to allow any conclusion about variant significance. c.518T>G has been reported in the literature in an individual affected with Spinocerebellar Ataxia 14 (Ueda_2013). These data do not allow any conclusion about variant significance. Experimental evidence evaluating an impact on protein function demonstrated the variant does not affect Purkinje cell dendritic development (Shimobayashi_2017). This finding does not allow convincing conclusions about the variant effect. No clinical diagnostic laboratories have submitted clinical-significance assessments for this variant to ClinVar after 2014. Based on the evidence outlined above, the variant was classified as uncertain significance.

Literature cited by the submitters: PubMed 28738819 (cited by Women's Health and Genetics/Laboratory Corporation of America, LabCorp); PubMed 23604456 (cited by Women's Health and Genetics/Laboratory Corporation of America, LabCorp).